The following is an entry in ClinVar:

ClinVar aggregate classification (germline): Uncertain significance (1 of 4 stars; one submission).

Submission:

GeneDx
Classification: Uncertain significance. Last evaluated: 2019-08-16. Review status: criteria provided, single submitter. Criteria: GeneDx Variant Classification Process June 2021. Collection method: clinical testing. Allele origin: germline. Affected: yes.
Comment: Not observed in large population cohorts (Lek et al., 2016); In silico analysis, which includes protein predictors and evolutionary conservation, supports a deleterious effect; Has not been previously published as pathogenic or benign to our knowledge

NM_001374353.1(GLI2):c.1456_1457delinsTT (p.His486Phe)

Gene: GLI2 (GLI family zinc finger 2; plus strand). Cytogenetic location: 2q14.2.
Variant type: Indel.
Coding change: c.1456_1457delinsTT on transcript NM_001374353.1 (MANE Select); coding-DNA positions 1456 to 1457, CA replaced by TT.
Protein change: p.His486Phe; replaces histidine 486 with phenylalanine.
Molecular consequence: missense variant.
Genome position (GRCh38, 1-based): chr2:120,978,572-120,978,573, CA replaced by TT. VCF-style: chr2-120978572-CA-TT. GRCh37 (hg19) VCF-style: chr2-121736148-CA-TT.
Other names: c.1507_1508delinsTT, p.His503Phe (NM_001371271.1, NM_005270.5); c.1081_1082delinsTT, p.His361Phe (NM_001374354.1); short protein forms H361F, H486F, H503F.
Identifiers: ClinVar variation 1186524 (VCV001186524.2), dbSNP rs2105051287, ClinGen allele CA2499214959.